The following is an entry in ClinVar:

NM_177438.3(DICER1):c.862G>A (p.Val288Ile)

Gene: DICER1 (dicer 1, ribonuclease III; minus strand). Cytogenetic location: 14q32.13.
Variant type: single nucleotide variant.
Coding change: c.862G>A on transcript NM_177438.3 (MANE Select); coding-DNA position 862, G replaced by A.
Protein change: p.Val288Ile; replaces valine 288 with isoleucine.
Molecular consequence: missense variant.
Genome position (GRCh38, 1-based): chr14:95,126,621, C>T on the plus strand (G>A on the coding strand, the complement: DICER1 is on the minus strand). VCF-style: chr14-95126621-C-T. GRCh37 (hg19) VCF-style: chr14-95592958-C-T.
Other names: c.862G>A, p.Val288Ile (NM_001195573.1, NM_001271282.3, NM_001291628.2 and 1 more transcripts); short protein forms V288I.
Identifiers: ClinVar variation 543595 (VCV000543595.12), dbSNP rs1555375302, ClinGen allele CA390887509.

ClinVar aggregate classification (germline): Uncertain significance. Review status: criteria provided, multiple submitters, no conflicts (2 of 4 stars). 2 submissions from 2 submitters: Uncertain significance (2). Last evaluated 2025-10-05.

Conditions:
Hereditary cancer-predisposing syndrome. Also called: Neoplastic Syndromes, Hereditary; Tumor predisposition; Hereditary Cancer Syndrome; Hereditary neoplastic syndrome. Identifiers: Orphanet 140162, MedGen C0027672, MeSH D009386, MONDO:0015356.
DICER1-related tumor predisposition. Also called: DICER1-related pleuropulmonary blastoma cancer predisposition syndrome; DICER1 syndrome. Identifiers: Orphanet 284343, MedGen C3839822, MONDO:0100216.

Allele frequency attached by ClinVar (database versions not stated): gnomAD exomes 0.00001; TOPMed 0.00001.
gnomAD v4.1: 4 of 1,555,674 alleles (0.00026%); highest among the groups gnomAD compares: Non-Finnish European, 0.00035%; no homozygotes.

Submissions (2):

Labcorp Genetics (formerly Invitae), Labcorp
Classification: Uncertain significance for DICER1-related tumor predisposition. Last evaluated: 2025-10-05. Review status: criteria provided, single submitter. Criteria: Invitae Variant Classification Sherloc (09022015). Collection method: clinical testing. Allele origin: germline.
Comment: This sequence change replaces valine, which is neutral and non-polar, with isoleucine, which is neutral and non-polar, at codon 288 of the DICER1 protein (p.Val288Ile). This variant is not present in population databases (gnomAD no frequency). This variant has not been reported in the literature in individuals affected with DICER1-related conditions. ClinVar contains an entry for this variant (Variation ID: 543595). Invitae Evidence Modeling of protein sequence and biophysical properties (such as structural, functional, and spatial information, amino acid conservation, physicochemical variation, residue mobility, and thermodynamic stability) indicates that this missense variant is not expected to disrupt DICER1 protein function with a negative predictive value of 95%. In summary, the available evidence is currently insufficient to determine the role of this variant in disease. Therefore, it has been classified as a Variant of Uncertain Significance.

Ambry Genetics
Classification: Uncertain significance for Hereditary cancer-predisposing syndrome. Last evaluated: 2023-09-21. Review status: criteria provided, single submitter. Criteria: Ambry Variant Classification Scheme 2023. Collection method: clinical testing. Allele origin: germline.
Comment: The p.V288I variant (also known as c.862G>A), located in coding exon 6 of the DICER1 gene, results from a G to A substitution at nucleotide position 862. The valine at codon 288 is replaced by isoleucine, an amino acid with highly similar properties. This amino acid position is not well conserved in available vertebrate species. In addition, this alteration is predicted to be tolerated by in silico analysis. Since supporting evidence is limited at this time, the clinical significance of this alteration remains unclear.